The following is an entry in ClinVar:

NM_004281.4(BAG3):c.537C>A (p.Cys179Ter)

Gene: BAG3 (BAG cochaperone 3; plus strand). Cytogenetic location: 10q26.11.
Variant type: single nucleotide variant.
Coding change: c.537C>A on transcript NM_004281.4 (MANE Select); coding-DNA position 537, C replaced by A.
Protein change: p.Cys179Ter; replaces cysteine 179 with a stop codon.
Molecular consequence: nonsense.
Genome position (GRCh38, 1-based): chr10:119,672,284, C>A. VCF-style: chr10-119672284-C-A. GRCh37 (hg19) VCF-style: chr10-121431796-C-A.
Other names: short protein forms C179*.
Identifiers: ClinVar variation 570844 (VCV000570844.7), dbSNP rs1564774433, ClinGen allele CA378295294.
Genomic context (GRCh38, chr10:119,672,284, plus strand): 5'-GGTCATGCCCTCTACCCTGTGTCTCTTGCAGCGGTCCCAGTCTCCAGCTGCCTCTGACTG[C>A]TCATCCTCATCCTCCTCGGCCAGCCTGCCTTCCTCCGGCAGGAGCAGCCTGGGCAGTCAC-3'

ClinVar aggregate classification (germline): Pathogenic (1 of 4 stars; one submission).

Conditions:
Dilated cardiomyopathy 1HH (CMD1HH). Identifiers: Orphanet 154, MedGen C3151293, MONDO:0013479, OMIM 613881.
Myofibrillar myopathy 6. Identifiers: Orphanet 199340, MedGen C2751831, MONDO:0013061, OMIM 612954.

Submission:

Labcorp Genetics (formerly Invitae), Labcorp
Classification: Pathogenic for Dilated cardiomyopathy 1HH; Myofibrillar myopathy 6. Last evaluated: 2018-08-20. Review status: criteria provided, single submitter. Criteria: Invitae Variant Classification Sherloc (09022015). Collection method: clinical testing. Allele origin: germline.
Comment: For these reasons, this variant has been classified as Pathogenic. This sequence change creates a premature translational stop signal (p.Cys179*) in the BAG3 gene. It is expected to result in an absent or disrupted protein product. This variant is not present in population databases (ExAC no frequency). This variant has not been reported in the literature in individuals with BAG3-related disease. Loss-of-function variants in BAG3 are known to be pathogenic (PMID: 21353195, 25008357).

Literature cited by the submitters: PubMed 21353195; PubMed 25008357.